The following is an entry in ClinVar:

NM_016277.5(RAB23):c.328G>C (p.Glu110Gln)

Gene: RAB23 (RAB23, member RAS oncogene family; minus strand). Cytogenetic location: 6p12.1.
Variant type: single nucleotide variant.
Coding change: c.328G>C on transcript NM_016277.5 (MANE Select); coding-DNA position 328, G replaced by C.
Protein change: p.Glu110Gln; replaces glutamic acid 110 with glutamine.
Molecular consequence: missense variant.
Genome position (GRCh38, 1-based): chr6:57,196,520, C>G on the plus strand (G>C on the coding strand, the complement: RAB23 is on the minus strand). VCF-style: chr6-57196520-C-G. GRCh37 (hg19) VCF-style: chr6-57061318-C-G.
Other names: c.328G>C, p.Glu110Gln (NM_001278666.2, NM_001278667.2, NM_001278668.2 and 1 more transcripts); short protein forms E110Q.
Identifiers: ClinVar variation 4060660 (VCV004060660.2).

ClinVar aggregate classification (germline): Uncertain significance. Review status: criteria provided, single submitter (1 of 4 stars). 2 submissions from 2 submitters: Uncertain significance (1). 1 of the submissions does not count toward it. Last evaluated 2026-05-28.

Conditions:
RAB23-related Carpenter syndrome. Also called: ACPS II; Carpenter syndrome 1. Identifiers: Orphanet 65759, MedGen C4551510, MONDO:0008710, OMIM 201000.
RAB23-related disorder. Also called: RAB23-related condition.

Submissions (2):

PreventionGenetics, part of Exact Sciences
Classification: Uncertain significance for RAB23-related condition. Last evaluated: 2026-05-28. Review status: criteria provided, single submitter. Criteria: ACMG Guidelines, 2015. Collection method: clinical testing. Allele origin: germline.
Comment: The RAB23 c.328G>C variant is predicted to result in the amino acid substitution p.Glu110Gln. To our knowledge, this variant has not been reported in the literature. This variant is reported in 0.0062% of alleles in individuals of African descent in gnomAD. At this time, the clinical significance of this variant is uncertain due to the absence of conclusive functional and genetic evidence.

Natera, Inc.
Classification: Uncertain significance for Carpenter syndrome 1. Last evaluated: 2025-04-28. Review status: no assertion criteria provided. Collection method: clinical testing. Allele origin: germline. Not counted in ClinVar's aggregate classification.